The following is an entry in ClinVar:

ClinVar aggregate classification (germline): Uncertain significance (1 of 4 stars; one submission).

Conditions:
Cardiovascular phenotype. Identifiers: MedGen CN230736.

Submission:

Ambry Genetics
Classification: Uncertain significance for Cardiovascular phenotype. Last evaluated: 2024-07-25. Review status: criteria provided, single submitter. Criteria: Ambry Variant Classification Scheme 2023. Collection method: clinical testing. Allele origin: germline.
Comment: The c.591_593dupTGG variant (also known as p.G199dup), located in coding exon 2 of the JPH2 gene, results from an in-frame duplication of TGG at nucleotide positions 591 to 593. This results in the duplication of an extra glycine residue between codons 199 and 200. This amino acid position is highly conserved in available vertebrate species. In addition, this alteration is predicted to be deleterious by in silico analysis (Choi Y et al. PLoS ONE. 2012; 7(10):e46688). Based on the available evidence, the clinical significance of this variant remains unclear.

NM_020433.5(JPH2):c.591_593dup (p.Gly199_Phe200insGly)

Gene: JPH2 (junctophilin 2; minus strand). Cytogenetic location: 20q13.12.
Variant type: Duplication.
Coding change: c.591_593dup on transcript NM_020433.5 (MANE Select); coding-DNA positions 591 to 593, 3 bases duplicated (TGG; older notation c.591_593dupTGG).
Protein change: p.Gly199_Phe200insGly.
Molecular consequence: inframe insertion. On other transcripts: inframe indel (1).
Genome position (GRCh38, 1-based): chr20:44,160,194-44,160,196, CCA duplicated on the plus strand (TGG on the coding strand, the reverse complement: JPH2 is on the minus strand); duplicating any 3 consecutive bases within chr20:44,160,194-44,160,197 gives the same sequence; the c. name uses the placement nearest the transcript's 3' end. VCF-style (leftmost placement, unchanged base first): chr20-44160193-G-GCCA. GRCh37 (hg19) VCF-style: chr20-42788833-G-GCCA.
Other names: c.591_593dupTGG (NM_020433.4).
Identifiers: ClinVar variation 1750449 (VCV001750449.3), dbSNP rs1168246539, ClinGen allele CA744707703.